The following is an entry in ClinVar:

ClinVar aggregate classification (germline): Uncertain significance (1 of 4 stars; one submission).

Conditions:
Familial thoracic aortic aneurysm and aortic dissection (TAAD). Also called: Thoracic aortic aneurysms and dissections. Identifiers: Orphanet 91387, MedGen C4707243, MONDO:0019625.

Submission:

Ambry Genetics
Classification: Uncertain significance for Familial thoracic aortic aneurysm and aortic dissection. Last evaluated: 2026-07-04. Review status: criteria provided, single submitter. Criteria: Ambry Variant Classification Scheme 2023. Collection method: clinical testing. Allele origin: germline.
Comment: The p.R2043G variant (also known as c.6127C>G), located in coding exon 36 of the FLNA gene, results from a C to G substitution at nucleotide position 6127. The arginine at codon 2043 is replaced by glycine, an amino acid with dissimilar properties. This amino acid position is conserved. In addition, the in silico prediction for this alteration is inconclusive. Based on the available evidence, the clinical significance of this variant remains unclear.

NM_001110556.2(FLNA):c.6151C>G (p.Arg2051Gly)

Gene: FLNA (filamin A; minus strand). Cytogenetic location: Xq28.
Variant type: single nucleotide variant.
Coding change: c.6151C>G on transcript NM_001110556.2 (MANE Select); coding-DNA position 6151, C replaced by G.
Protein change: p.Arg2051Gly; replaces arginine 2051 with glycine.
Molecular consequence: missense variant.
Genome position (GRCh38, 1-based): chrX:154,353,076, G>C on the plus strand (C>G on the coding strand, the complement: FLNA is on the minus strand). VCF-style: chrX-154353076-G-C. GRCh37 (hg19) VCF-style: chrX-153581444-G-C.
Other names: c.6127C>G, p.Arg2043Gly (NM_001456.4); short protein forms R2051G, R2043G.
Identifiers: ClinVar variation 5021911 (VCV005021911.1).